The following is an entry in ClinVar:

ClinVar aggregate classification (germline): Uncertain significance (1 of 4 stars; one submission).

gnomAD v4.1: 1 of 1,613,802 alleles (0.000062%); highest among the groups gnomAD compares: Non-Finnish European, 0.000085%; no homozygotes.

Submission:

Women's Health and Genetics/Laboratory Corporation of America, LabCorp
Classification: Uncertain significance. Last evaluated: 2024-02-01. Review status: criteria provided, single submitter. Criteria: LabCorp Variant Classification Summary - May 2015. Collection method: clinical testing. Allele origin: germline.
Comment: Variant summary: MLL2 c.10232-8C>T alters a non-conserved nucleotide located close to a canonical splice site and therefore could affect mRNA splicing, leading to a significantly altered protein sequence. Consensus agreement among computation tools predict no significant impact on normal splicing. However, these predictions have yet to be confirmed by functional studies. The variant was absent in 249128 control chromosomes. The available data on variant occurrences in the general population are insufficient to allow any conclusion about variant significance. To our knowledge, no occurrence of c.10232-8C>T in individuals affected with Kabuki Syndrome 1 and no experimental evidence demonstrating its impact on protein function have been reported. No submitters have cited clinical-significance assessments for this variant to ClinVar. Based on the evidence outlined above, the variant was classified as uncertain significance.

NM_003482.4(KMT2D):c.10232-8C>T

Gene: KMT2D (lysine methyltransferase 2D; minus strand). Cytogenetic location: 12q13.12.
Variant type: single nucleotide variant.
Coding change: c.10232-8C>T on transcript NM_003482.4 (MANE Select); 8 bases into the intron before coding-DNA position 10232, C replaced by T.
Molecular consequence: intron variant.
Genome position (GRCh38, 1-based): chr12:49,034,943, G>A on the plus strand (C>T on the coding strand, the complement: KMT2D is on the minus strand). VCF-style: chr12-49034943-G-A. GRCh37 (hg19) VCF-style: chr12-49428726-G-A.
Identifiers: ClinVar variation 3069009 (VCV003069009.2), dbSNP rs1215914830, ClinGen allele CA2618608820.
Genomic context (GRCh38, chr12:49,034,943, plus strand): 5'-CTTGGCCTTTGCAATGGGATCAATGATATCTTCTGCAGCAAATTTGTCCAGGTCTGGAGA[G>A]GGGAGAACCAAGTGAGCTGGGCTATGGGGCCAATGCTCCAGTGAATATCTGCGATTCCCT-3'